The following is an entry in ClinVar:

NM_001197104.2(KMT2A):c.7453G>C (p.Val2485Leu)

Gene: KMT2A (lysine methyltransferase 2A; plus strand). Cytogenetic location: 11q23.3.
Variant type: single nucleotide variant.
Coding change: c.7453G>C on transcript NM_001197104.2 (MANE Select); coding-DNA position 7453, G replaced by C.
Protein change: p.Val2485Leu; replaces valine 2485 with leucine.
Molecular consequence: missense variant.
Genome position (GRCh38, 1-based): chr11:118,503,345, G>C. VCF-style: chr11-118503345-G-C. GRCh37 (hg19) VCF-style: chr11-118374060-G-C.
Other names: c.7543G>C, p.Val2515Leu (NM_001412597.1); c.7444G>C, p.Val2482Leu (NM_005933.4); short protein forms V2485L, V2515L, V2482L.
Identifiers: ClinVar variation 2511124 (VCV002511124.5), dbSNP rs781819293, ClinGen allele CA6304399.

ClinVar aggregate classification (germline): Conflicting classifications of pathogenicity. Review status: criteria provided, conflicting classifications (1 of 4 stars). 2 submissions from 2 submitters: Uncertain significance (1); Likely benign (1). Last evaluated 2024-12-23.

Conditions:
Inborn genetic diseases. Identifiers: MedGen C0950123, MeSH D030342.

Allele frequency attached by ClinVar (database versions not stated): gnomAD 0.00002; gnomAD exomes 0.00002; TOPMed 0.00004; ExAC 0.00007.
gnomAD v4.1: 36 of 1,614,014 alleles (0.0022%); highest among the groups gnomAD compares: Non-Finnish European, 0.0028%; no homozygotes.

Submissions (2):

Labcorp Genetics (formerly Invitae), Labcorp
Classification: Uncertain significance. Last evaluated: 2024-12-23. Review status: criteria provided, single submitter. Criteria: Invitae Variant Classification Sherloc (09022015). Collection method: clinical testing. Allele origin: germline.
Comment: This sequence change replaces valine, which is neutral and non-polar, with leucine, which is neutral and non-polar, at codon 2485 of the KMT2A protein (p.Val2485Leu). This variant is present in population databases (rs781819293, gnomAD 0.009%). This variant has not been reported in the literature in individuals affected with KMT2A-related conditions. ClinVar contains an entry for this variant (Variation ID: 2511124). Invitae Evidence Modeling of protein sequence and biophysical properties (such as structural, functional, and spatial information, amino acid conservation, physicochemical variation, residue mobility, and thermodynamic stability) indicates that this missense variant is not expected to disrupt KMT2A protein function with a negative predictive value of 95%. In summary, the available evidence is currently insufficient to determine the role of this variant in disease. Therefore, it has been classified as a Variant of Uncertain Significance.

Ambry Genetics
Classification: Likely benign for Inborn genetic diseases. Last evaluated: 2023-06-06. Review status: criteria provided, single submitter. Criteria: Ambry Variant Classification Scheme 2023. Collection method: clinical testing. Allele origin: germline.